The following is an entry in ClinVar:

ClinVar aggregate classification (germline): Uncertain significance. Review status: criteria provided, multiple submitters, no conflicts (2 of 4 stars). 2 submissions from 2 submitters: Uncertain significance (2). Last evaluated 2021-08-02.

Conditions:
Inborn genetic diseases. Identifiers: MedGen C0950123, MeSH D030342.

Allele frequency attached by ClinVar (database versions not stated): ESP Exome Variant Server 0.00008; gnomAD 0.00024 and 0.00021; ExAC 0.00027; gnomAD exomes 0.00019 and 0.00032; TOPMed 0.00032.
gnomAD v4.1: 494 of 1,613,022 alleles (0.031%); highest among the groups gnomAD compares: Non-Finnish European, 0.039%; no homozygotes.

Submissions (2):

Ambry Genetics
Classification: Uncertain significance for Inborn genetic diseases. Last evaluated: 2021-08-02. Review status: criteria provided, single submitter. Criteria: Ambry Variant Classification Scheme 2023. Collection method: clinical testing. Allele origin: germline.

GeneDx
Classification: Uncertain significance. Last evaluated: 2017-01-20. Review status: criteria provided, single submitter. Criteria: GeneDx Variant Classification (06012015). Collection method: clinical testing. Allele origin: germline. Affected: yes.
Comment: The S1523F variant present in an alternate transcript of the LAMA3 gene has not been reported previously as a pathogenic variant nor as a benign variant, to our knowledge. The S1523F variant was not observed at any significant frequency in approximately 6200 individuals of European and African American ancestry in the NHLBI Exome Sequencing Project, indicating it is not a common benign variant in these populations. The S1523F variant is a non-conservative amino acid substitution, which is likely to impact secondary protein structure as these residues differ in polarity, charge, size and/or other properties. This substitution occurs at a position that is conserved in mammals. In silico analysis predicts this variant is probably damaging to the protein structure/function. We interpret S1523F as a variant of uncertain significance.

NM_198129.4(LAMA3):c.4568C>T (p.Ser1523Phe)

Gene: LAMA3 (laminin subunit alpha 3; plus strand). Cytogenetic location: 18q11.2.
Variant type: single nucleotide variant.
Coding change: c.4568C>T on transcript NM_198129.4 (MANE Select); coding-DNA position 4568, C replaced by T.
Protein change: p.Ser1523Phe; replaces serine 1523 with phenylalanine.
Molecular consequence: missense variant.
Genome position (GRCh38, 1-based): chr18:23,861,791, C>T. VCF-style: chr18-23861791-C-T. GRCh37 (hg19) VCF-style: chr18-21441755-C-T.
Other names: c.4568C>T, p.Ser1523Phe (NM_001127717.4); short protein forms S1523F.
Identifiers: ClinVar variation 392661 (VCV000392661.7), dbSNP rs199597975, ClinGen allele CA8915646.